The following is an entry in ClinVar:

NM_001171.6(ABCC6):c.2848G>A (p.Ala950Thr)

Gene: ABCC6 (ATP binding cassette subfamily C member 6; minus strand). Cytogenetic location: 16p13.11.
Variant type: single nucleotide variant.
Coding change: c.2848G>A on transcript NM_001171.6 (MANE Select); coding-DNA position 2848, G replaced by A.
Protein change: p.Ala950Thr; replaces alanine 950 with threonine.
Molecular consequence: missense variant. On other transcripts: non-coding transcript variant (1).
Genome position (GRCh38, 1-based): chr16:16,169,793, C>T on the plus strand (G>A on the coding strand, the complement: ABCC6 is on the minus strand). VCF-style: chr16-16169793-C-T. GRCh37 (hg19) VCF-style: chr16-16263650-C-T.
Other names: c.2506G>A, p.Ala836Thr (NM_001351800.1); short protein forms A950T, A836T.
Identifiers: ClinVar variation 381637 (VCV000381637.40), dbSNP rs72657689, ClinGen allele CA7925767.
Genomic context (GRCh38, chr16:16,169,793, plus strand): 5'-GGCTCAGCCAGTAGCCCCGGCAGAAGGAGGCCACTTGCTGGCAGAGGAAGAGGAAGAGTG[C>T]GTAGAGGCAGAGGGGGGTGCCCACGGCACGCAGGTAGGCCAGGTGCACTGTGGCCTTCAC-3'
Protein context (NP_001162.5, residues 940-960): RAVGTPLCLY[Ala950Thr]LFLFLCQQVA

ClinVar aggregate classification (germline): Conflicting classifications of pathogenicity. Review status: criteria provided, conflicting classifications (1 of 4 stars). 10 submissions from 8 submitters: Uncertain significance (2); Benign (4); Likely benign (2). 2 of the submissions do not count toward it. Last evaluated 2025-12-26.

Conditions:
Arterial calcification, generalized, of infancy, 2. Identifiers: Orphanet 51608, MedGen C3276161, MONDO:0013768, OMIM 614473.
Pseudoxanthoma elasticum, forme fruste. Also called: Pseudoxanthoma Elasticum, Incomplete; PSEUDOXANTHOMA ELASTICUM, HETEROZYGOUS. Identifiers: Orphanet 758, MedGen C1867450, MONDO:0008333, OMIM 177850.
ABCC6-related disorder. Also called: ABCC6-related condition.
Autosomal recessive inherited pseudoxanthoma elasticum (PXE). Identifiers: Orphanet 758, MedGen CN032334, MONDO:0009925, OMIM 264800.

Allele frequency attached by ClinVar (database versions not stated): gnomAD 0.00037; ESP Exome Variant Server 0.00039; gnomAD exomes 0.00055; ExAC 0.00068; TOPMed 0.00038.

Submissions (10):

Labcorp Genetics (formerly Invitae), Labcorp
Classification: Benign. Last evaluated: 2025-12-26. Review status: criteria provided, single submitter. Criteria: Invitae Variant Classification Sherloc (09022015). Collection method: clinical testing. Allele origin: germline.

Blueprint Genetics
Classification: Likely benign. Last evaluated: 2024-11-27. Review status: criteria provided, single submitter. Criteria: ACMG Guidelines, 2015. Collection method: clinical testing. Allele origin: germline.

CeGaT Center for Human Genetics Tuebingen
Classification: Uncertain significance. Last evaluated: 2022-04-01. Review status: criteria provided, single submitter. Criteria: CeGaT Center For Human Genetics Tuebingen Variant Classification Criteria Version 2. Collection method: clinical testing. Allele origin: germline. Affected: yes. Observed: 1 variant allele.

Genome-Nilou Lab
Classification: Benign for Arterial calcification, generalized, of infancy, 2. Last evaluated: 2021-12-05. Review status: criteria provided, single submitter. Criteria: ACMG Guidelines, 2015. Collection method: clinical testing. Allele origin: germline. Affected: no.

Genome-Nilou Lab
Classification: Benign for Autosomal recessive inherited pseudoxanthoma elasticum. Last evaluated: 2021-12-05. Review status: criteria provided, single submitter. Criteria: ACMG Guidelines, 2015. Collection method: clinical testing. Allele origin: germline. Affected: no.

Genome-Nilou Lab
Classification: Benign for Pseudoxanthoma elasticum, forme fruste. Last evaluated: 2021-12-05. Review status: criteria provided, single submitter. Criteria: ACMG Guidelines, 2015. Collection method: clinical testing. Allele origin: germline. Affected: no.

Department of Pathology and Laboratory Medicine, Sinai Health System
Classification: Uncertain significance for autosomal recessive inherited pseudoxanthoma elasticum. Last evaluated: 2021-07-30. Review status: criteria provided, single submitter. Criteria: ACMG Guidelines, 2015. Collection method: research. Allele origin: germline.

GeneDx
Classification: Likely benign. Last evaluated: 2020-01-13. Review status: criteria provided, single submitter. Criteria: GeneDx Variant Classification Process June 2021. Collection method: clinical testing. Allele origin: germline. Affected: yes.
Comment: This variant is associated with the following publications: (PMID: 17617515, 23485117)

PXE International
Classification: Uncertain significance for Autosomal recessive inherited pseudoxanthoma elasticum. Last evaluated: 2021-03-01. Review status: no assertion criteria provided. Collection method: research. Allele origin: germline. Inheritance: Autosomal recessive inheritance. Affected: yes. Observed: 1 variant allele. Not counted in ClinVar's aggregate classification.

PreventionGenetics, part of Exact Sciences
Classification: Likely benign for ABCC6-related condition. Last evaluated: 2019-08-08. Review status: no assertion criteria provided. Collection method: clinical testing. Allele origin: germline. Not counted in ClinVar's aggregate classification.
Comment: This variant is classified as likely benign based on ACMG/AMP sequence variant interpretation guidelines (Richards et al. 2015 PMID: 25741868, with internal and published modifications).

Literature cited by the submitters: PubMed 32873932 (cited by PXE International).